The following is an entry in ClinVar:

ClinVar aggregate classification (germline): Uncertain significance (1 of 4 stars; one submission).

gnomAD v4.1: 7 of 1,469,022 alleles (0.00048%); highest among the groups gnomAD compares: Non-Finnish European, 0.00064%; no homozygotes.

Submission:

Labcorp Genetics (formerly Invitae), Labcorp
Classification: Uncertain significance. Last evaluated: 2022-02-28. Review status: criteria provided, single submitter. Criteria: Invitae Variant Classification Sherloc (09022015). Collection method: clinical testing. Allele origin: germline.
Comment: This variant is not present in population databases (gnomAD no frequency). This sequence change falls in intron 13 of the RIMS1 gene. It does not directly change the encoded amino acid sequence of the RIMS1 protein. This variant has not been reported in the literature in individuals affected with RIMS1-related conditions. Algorithms developed to predict the effect of sequence changes on RNA splicing suggest that this variant may disrupt the consensus splice site. In summary, the available evidence is currently insufficient to determine the role of this variant in disease. Therefore, it has been classified as a Variant of Uncertain Significance.

NM_014989.7(RIMS1):c.2373-6T>C

Gene: RIMS1 (regulating synaptic membrane exocytosis 1; plus strand). Cytogenetic location: 6q13.
Variant type: single nucleotide variant.
Coding change: c.2373-6T>C on transcript NM_014989.7 (MANE Select); 6 bases into the intron before coding-DNA position 2373, T replaced by C.
Molecular consequence: intron variant.
Genome position (GRCh38, 1-based): chr6:72,250,915, T>C. VCF-style: chr6-72250915-T-C. GRCh37 (hg19) VCF-style: chr6-72960618-T-C.
Other names: c.726-6T>C (NM_001350428.2, NM_001350459.2, NM_001350424.2 and 6 more transcripts); c.795-6T>C (NM_001350458.2, NM_001350433.2, NM_001350446.2 and 37 more transcripts); c.552-6T>C (NM_001350469.2, NM_001168409.2, NM_001350466.2 and 6 more transcripts); c.750-6T>C (NM_001350470.2, NM_001168410.2, NM_001350473.2 and 2 more transcripts).
Identifiers: ClinVar variation 1481082 (VCV001481082.6), dbSNP rs2154135558, ClinGen allele CA2573141106.
Genomic context (GRCh38, chr6:72,250,915, plus strand): 5'-CATGTAACTACAGTAGATGGCAGCATGTACTTGCTTTTTCATTTACAAAACATACTTATT[T>C]TTCAGTGATAAAAGTAAAAGGAGGACCAAAACAGTAAAGAAAATACTAGAACCAAAATGG-3'